The following is an entry in ClinVar:

ClinVar aggregate classification (germline): Uncertain significance (1 of 4 stars; one submission).

Conditions:
LAMA2-related muscular dystrophy (LAMA2-RD). Also called: Laminin alpha 2-related dystrophy. Identifiers: MedGen C5679788, MONDO:0100228.

Allele frequency attached by ClinVar (database versions not stated): TOPMed below 0.00001.

Submission:

Labcorp Genetics (formerly Invitae), Labcorp
Classification: Uncertain significance for LAMA2-related muscular dystrophy. Last evaluated: 2024-03-11. Review status: criteria provided, single submitter. Criteria: Invitae Variant Classification Sherloc (09022015). Collection method: clinical testing. Allele origin: germline.
Comment: This sequence change replaces glycine, which is neutral and non-polar, with arginine, which is basic and polar, at codon 1397 of the LAMA2 protein (p.Gly1397Arg). This variant is not present in population databases (gnomAD no frequency). This variant has not been reported in the literature in individuals affected with LAMA2-related conditions. ClinVar contains an entry for this variant (Variation ID: 577256). Advanced modeling of protein sequence and biophysical properties (such as structural, functional, and spatial information, amino acid conservation, physicochemical variation, residue mobility, and thermodynamic stability) performed at Invitae indicates that this missense variant is not expected to disrupt LAMA2 protein function with a negative predictive value of 95%. In summary, the available evidence is currently insufficient to determine the role of this variant in disease. Therefore, it has been classified as a Variant of Uncertain Significance.

NM_000426.4(LAMA2):c.4189G>C (p.Gly1397Arg)

Gene: LAMA2 (laminin subunit alpha 2; plus strand). Cytogenetic location: 6q22.33.
Variant type: single nucleotide variant.
Coding change: c.4189G>C on transcript NM_000426.4 (MANE Select); coding-DNA position 4189, G replaced by C.
Protein change: p.Gly1397Arg; replaces glycine 1397 with arginine.
Molecular consequence: missense variant.
Genome position (GRCh38, 1-based): chr6:129,328,290, G>C. VCF-style: chr6-129328290-G-C. GRCh37 (hg19) VCF-style: chr6-129649435-G-C.
Other names: c.4189G>C, p.Gly1397Arg (NM_001079823.2); short protein forms G1397R.
Identifiers: ClinVar variation 577256 (VCV000577256.7), dbSNP rs948771802, ClinGen allele CA146890275.
Genomic context (GRCh38, chr6:129,328,290, plus strand): 5'-TGCAGTATTTCTAACTTTGCTGTCCTAATTGGCTTCCTTTTCTTTCAGGCATGCTTGCCG[G>C]GATTTTATCGACTGCGTTCTCAACCAGGTGGCCGCACCCCTGGACCAACCCTGGGCACCT-3'
Protein context (NP_000417.3, residues 1387-1407): SGLSCEACLP[Gly1397Arg]FYRLRSQPGG